The following is an entry in ClinVar:

ClinVar aggregate classification (germline): Uncertain significance. Review status: criteria provided, multiple submitters, no conflicts (2 of 4 stars). 3 submissions from 3 submitters: Uncertain significance (3). Last evaluated 2026-05-01.

Conditions:
Inborn genetic diseases. Identifiers: MedGen C0950123, MeSH D030342.

Allele frequency attached by ClinVar (database versions not stated): gnomAD exomes 0.00001.
gnomAD v4.1: 6 of 1,612,986 alleles (0.00037%); highest among the groups gnomAD compares: Admixed American, 0.0033%; no homozygotes.

Submissions (3):

CeGaT Center for Human Genetics Tuebingen
Classification: Uncertain significance. Last evaluated: 2026-05-01. Review status: criteria provided, single submitter. Criteria: CeGaT Center For Human Genetics Tuebingen Variant Classification Criteria Version 2. Collection method: clinical testing. Allele origin: germline. Affected: yes. Observed: 1 variant allele.

Ambry Genetics
Classification: Uncertain significance for Inborn genetic diseases. Last evaluated: 2026-04-01. Review status: criteria provided, single submitter. Criteria: Ambry Variant Classification Scheme 2023. Collection method: clinical testing. Allele origin: germline.

Labcorp Genetics (formerly Invitae), Labcorp
Classification: Uncertain significance. Last evaluated: 2026-01-05. Review status: criteria provided, single submitter. Criteria: Invitae Variant Classification Sherloc (09022015). Collection method: clinical testing. Allele origin: germline.
Comment: This sequence change replaces proline, which is neutral and non-polar, with serine, which is neutral and polar, at codon 146 of the PACS2 protein (p.Pro146Ser). This variant is present in population databases (no rsID available, gnomAD 0.003%). This variant has not been reported in the literature in individuals affected with PACS2-related conditions. ClinVar contains an entry for this variant (Variation ID: 2803988). An algorithm developed to predict the effect of missense changes on protein structure and function (PolyPhen-2) suggests that this variant is likely to be disruptive. In summary, the available evidence is currently insufficient to determine the role of this variant in disease. Therefore, it has been classified as a Variant of Uncertain Significance.

NM_001100913.3(PACS2):c.436C>T (p.Pro146Ser)

Gene: PACS2 (phosphofurin acidic cluster sorting protein 2; plus strand). Cytogenetic location: 14q32.33.
Variant type: single nucleotide variant.
Coding change: c.436C>T on transcript NM_001100913.3 (MANE Select); coding-DNA position 436, C replaced by T.
Protein change: p.Pro146Ser; replaces proline 146 with serine.
Molecular consequence: missense variant.
Genome position (GRCh38, 1-based): chr14:105,367,225, C>T. VCF-style: chr14-105367225-C-T. GRCh37 (hg19) VCF-style: chr14-105833562-C-T.
Other names: c.436C>T (NM_001100913.2); c.235C>T, p.Pro79Ser (NM_001243127.3); c.436C>T, p.Pro146Ser (NM_015197.4); short protein forms P79S, P146S.
Identifiers: ClinVar variation 2803988 (VCV002803988.6), dbSNP rs1555408144, ClinGen allele CA391172715.
Genomic context (GRCh38, chr14:105,367,225, plus strand): 5'-GCTCCTTCCCGTCGTGCTGCTTTCTAGAACCGTGCCCCTGGCCTGCAGGTGATGCAACAC[C>T]CGTCTGAAGGTGGCCAGGTGCTGAGCCTCTGCAGCAGCATCAAGGAGGCCCCCGTCAAGG-3'
Protein context (NP_001094383.2, residues 136-156): SISMAEVMQH[Pro146Ser]SEGGQVLSLC